The following is an entry in ClinVar:

NM_173551.5(ANKS6):c.2324A>T (p.Glu775Val)

Gene: ANKS6 (ankyrin repeat and sterile alpha motif domain containing 6; minus strand). Cytogenetic location: 9q22.33.
Variant type: single nucleotide variant.
Coding change: c.2324A>T on transcript NM_173551.5 (MANE Select); coding-DNA position 2324, A replaced by T.
Protein change: p.Glu775Val; replaces glutamic acid 775 with valine.
Molecular consequence: missense variant.
Genome position (GRCh38, 1-based): chr9:98,756,422, T>A on the plus strand (A>T on the coding strand, the complement: ANKS6 is on the minus strand). VCF-style: chr9-98756422-T-A. GRCh37 (hg19) VCF-style: chr9-101518704-T-A.
Other names: c.2324A>T (NM_173551.3); short protein forms E775V.
Identifiers: ClinVar variation 2068235 (VCV002068235.5), dbSNP rs376744269, ClinGen allele CA5153204.

ClinVar aggregate classification (germline): Uncertain significance. Review status: criteria provided, multiple submitters, no conflicts (2 of 4 stars). 2 submissions from 2 submitters: Uncertain significance (2). Last evaluated 2025-12-10.

Conditions:
Inborn genetic diseases. Identifiers: MedGen C0950123, MeSH D030342.
Nephronophthisis 16 (NPHP16). Identifiers: Orphanet 655, MedGen C3809320, MONDO:0014158, OMIM 615382.

Allele frequency attached by ClinVar (database versions not stated): TOPMed below 0.00001; ExAC 0.00001; ESP Exome Variant Server 0.00008.
gnomAD v4.1: 17 of 1,612,706 alleles (0.0011%); highest among the groups gnomAD compares: Non-Finnish European, 0.0014%; no homozygotes.

Submissions (2):

Ambry Genetics
Classification: Uncertain significance for Inborn genetic diseases. Last evaluated: 2025-12-10. Review status: criteria provided, single submitter. Criteria: Ambry Variant Classification Scheme 2023. Collection method: clinical testing. Allele origin: germline.

Labcorp Genetics (formerly Invitae), Labcorp
Classification: Uncertain significance for Nephronophthisis 16. Last evaluated: 2022-06-01. Review status: criteria provided, single submitter. Criteria: Invitae Variant Classification Sherloc (09022015). Collection method: clinical testing. Allele origin: germline.
Comment: This sequence change replaces glutamic acid, which is acidic and polar, with valine, which is neutral and non-polar, at codon 775 of the ANKS6 protein (p.Glu775Val). This variant is present in population databases (rs376744269, gnomAD 0.0009%). Algorithms developed to predict the effect of missense changes on protein structure and function are either unavailable or do not agree on the potential impact of this missense change (SIFT: "Deleterious"; PolyPhen-2: "Probably Damaging"; Align-GVGD: "Class C15"). In summary, the available evidence is currently insufficient to determine the role of this variant in disease. Therefore, it has been classified as a Variant of Uncertain Significance. This variant has not been reported in the literature in individuals affected with ANKS6-related conditions.